The following is an entry in ClinVar:

NM_201384.3(PLEC):c.4569CGAGGC[3] (p.Ala1527_Ala1528insGluAla)

Gene: PLEC (plectin; minus strand). Cytogenetic location: 8q24.3.
Variant type: Microsatellite.
Coding change: c.4569CGAGGC[3] on transcript NM_201384.3 (MANE Select); three copies in a row of the 6-base unit CGAGGC starting at c.4569; the reference has two copies in a row; one copy, 6 bases duplicated.
Protein change: p.Ala1527_Ala1528insGluAla.
Molecular consequence: inframe insertion. On other transcripts: intron variant (1).
Genome position (GRCh38, 1-based): chr8:143,925,349-143,925,354, GCCTCG duplicated on the plus strand (CGAGGC on the coding strand, the reverse complement: PLEC is on the minus strand); duplicating any 6 consecutive bases within chr8:143,925,349-143,925,364 gives the same sequence; the position shown is the placement nearest the transcript's 3' end. VCF-style (leftmost placement, unchanged base first): chr8-143925348-C-CGCCTCG. GRCh37 (hg19) VCF-style: chr8-144999516-C-CGCCTCG.
Other names: c.4650CGAGGC[3], p.Ala1554_Ala1555insGluAla (NM_000445.5); c.4527CGAGGC[3], p.Ala1513_Ala1514insGluAla (NM_201378.4); c.4503CGAGGC[3], p.Ala1505_Ala1506insGluAla (NM_201379.3); c.4980CGAGGC[3], p.Ala1664_Ala1665insGluAla (NM_201380.4); c.4473CGAGGC[3], p.Ala1495_Ala1496insGluAla (NM_201381.3); c.4569CGAGGC[3], p.Ala1527_Ala1528insGluAla (NM_201382.4); c.4581CGAGGC[3], p.Ala1531_Ala1532insGluAla (NM_201383.3); c.4125+1424CGAGGC[3] (NM_001410941.1).
Identifiers: ClinVar variation 2951984 (VCV002951984.3), dbSNP rs782365801, ClinGen allele CA4926612.
Genomic context (GRCh38, chr8:143,925,348, plus strand): 5'-CTCCTCCGCCTGCAGCCGCAGCTCCTCCAGGGCCTGCAGGGCCCGCTGCTTCTCGCGCGC[C>CGCCTCG]GCCTCGGCCTCGGCCTTCACGCGCGAGGCCAGCTCCACCTCCGCCTGCCGCTTACGCTGG-3'

ClinVar aggregate classification (germline): Uncertain significance (1 of 4 stars; one submission).

Conditions:
Epidermolysis bullosa simplex with nail dystrophy (EBS5D). Identifiers: MedGen C4225309, MONDO:0014661, OMIM 616487.
Autosomal recessive limb-girdle muscular dystrophy type 2Q (LGMDR17). Also called: MUSCULAR DYSTROPHY, LIMB-GIRDLE, AUTOSOMAL RECESSIVE 17. Identifiers: Orphanet 254361, MedGen C3150989, MONDO:0013390, OMIM 613723.
Epidermolysis bullosa simplex 5C, with pyloric atresia (EBS5C). Also called: PLEC1-Related Epidermolysis Bullosa with Pyloric Atresia; PLEC-Related Epidermolysis Bullosa with Pyloric Atresia; Epidermolysis bullosa simplex with pyloric atresia. Identifiers: Orphanet 158684, MedGen C2677349, MONDO:0012807, OMIM 612138.
Epidermolysis bullosa simplex 5B, with muscular dystrophy (EBS5B). Also called: Epidermolysis bullosa simplex with muscular dystrophy; EPIDERMOLYSIS BULLOSA SIMPLEX AND LIMB-GIRDLE MUSCULAR DYSTROPHY. Identifiers: Orphanet 257, MedGen C2931072, MONDO:0009181, OMIM 226670.
Epidermolysis bullosa simplex, Ogna type (EBS5A). Also called: EPIDERMOLYSIS BULLOSA SIMPLEX 5A, OGNA TYPE; Pidermolysis bullosa simplex 5A, Ogna type. Identifiers: Orphanet 79401, MedGen C0432317, MONDO:0007555, OMIM 131950.

Submission:

Labcorp Genetics (formerly Invitae), Labcorp
Classification: Uncertain significance for Autosomal recessive limb-girdle muscular dystrophy type 2Q; Epidermolysis bullosa simplex, Ogna type; Epidermolysis bullosa simplex with nail dystrophy; Epidermolysis bullosa simplex 5C, with pyloric atresia; Epidermolysis bullosa simplex 5B, with muscular dystrophy. Last evaluated: 2023-12-31. Review status: criteria provided, single submitter. Criteria: Invitae Variant Classification Sherloc (09022015). Collection method: clinical testing. Allele origin: germline.
Comment: This variant, c.4656_4661dup, results in the insertion of 2 amino acid(s) of the PLEC protein (p.Glu1553_Ala1554dup), but otherwise preserves the integrity of the reading frame. This variant is present in population databases (rs782365801, gnomAD 0.002%). This variant has not been reported in the literature in individuals affected with PLEC-related conditions. In summary, the available evidence is currently insufficient to determine the role of this variant in disease. Therefore, it has been classified as a Variant of Uncertain Significance.